The following is an entry in ClinVar:

NM_014795.4(ZEB2):c.3485A>G (p.Glu1162Gly)

Gene: ZEB2 (zinc finger E-box binding homeobox 2; minus strand). Cytogenetic location: 2q22.3.
Variant type: single nucleotide variant.
Coding change: c.3485A>G on transcript NM_014795.4 (MANE Select); coding-DNA position 3485, A replaced by G.
Protein change: p.Glu1162Gly; replaces glutamic acid 1162 with glycine.
Molecular consequence: missense variant.
Genome position (GRCh38, 1-based): chr2:144,389,611, T>C on the plus strand (A>G on the coding strand, the complement: ZEB2 is on the minus strand). VCF-style: chr2-144389611-T-C. GRCh37 (hg19) VCF-style: chr2-145147178-T-C.
Other names: c.3413A>G, p.Glu1138Gly (NM_001171653.2); short protein forms E1138G, E1162G.
Identifiers: ClinVar variation 5037378 (VCV005037378.1).

ClinVar aggregate classification (germline): Uncertain significance (1 of 4 stars; one submission).

Submission:

GeneDx
Classification: Uncertain significance. Last evaluated: 2026-04-17. Review status: criteria provided, single submitter. Criteria: GeneDx Variant Classification Process June 2021. Collection method: clinical testing. Allele origin: germline.
Comment: Not observed at significant frequency in large population cohorts (gnomAD); In silico analysis suggests that this missense variant does not alter protein structure/function; Has not been previously published as pathogenic or benign to our knowledge